The following is an entry in ClinVar:

NM_004369.4(COL6A3):c.3754C>T (p.Arg1252Cys)

Gene: COL6A3 (collagen type VI alpha 3 chain; minus strand). Cytogenetic location: 2q37.3.
Variant type: single nucleotide variant.
Coding change: c.3754C>T on transcript NM_004369.4 (MANE Select); coding-DNA position 3754, C replaced by T.
Protein change: p.Arg1252Cys; replaces arginine 1252 with cysteine.
Molecular consequence: missense variant.
Genome position (GRCh38, 1-based): chr2:237,372,263, G>A on the plus strand (C>T on the coding strand, the complement: COL6A3 is on the minus strand). VCF-style: chr2-237372263-G-A. GRCh37 (hg19) VCF-style: chr2-238280906-G-A.
Other names: c.2533C>T, p.Arg845Cys (NM_057164.5); c.3136C>T, p.Arg1046Cys (NM_057165.5, NM_057167.4); c.1933C>T, p.Arg645Cys (NM_057166.5); short protein forms R1252C, R1046C, R645C, R845C.
Identifiers: ClinVar variation 285636 (VCV000285636.18), dbSNP rs563530370, ClinGen allele CA2189082.
Genomic context (GRCh38, chr2:237,372,263, plus strand): 5'-CCACCCGGGTGGTGTCAAAGCCCACGTCCAGGTAGTCAACCAGCCTCTCTATGAGGGTGC[G>A]AACGTACTGGAACTCAGGCCCGGCACTTTGGGACCCATCGATGAGAAAGACCACGTCCCT-3'
Protein context (NP_004360.2, residues 1242-1262): QSAGPEFQYV[Arg1252Cys]TLIERLVDYL

ClinVar aggregate classification (germline): Conflicting classifications of pathogenicity. Review status: criteria provided, conflicting classifications (1 of 4 stars). 6 submissions from 6 submitters: Uncertain significance (4); Likely benign (2). Last evaluated 2026-05-05.

Conditions:
COL6A3-related disorder. Also called: COL6A3-related condition; COL6A3-related disorders.
Bethlem myopathy 1A. Also called: MYOPATHY, BENIGN CONGENITAL, WITH CONTRACTURES; Bethlem myopathy 1; Bethlem Muscular Dystrophy. Identifiers: Orphanet 610, MedGen CN029274, MONDO:0024530, OMIM 158810.

Allele frequency attached by ClinVar (database versions not stated): gnomAD 0.00009; ExAC 0.00010; TOPMed 0.00010; gnomAD exomes 0.00012 and 0.00021.
gnomAD v4.1: 317 of 1,613,504 alleles (0.02%); highest among the groups gnomAD compares: Non-Finnish European, 0.025%; no homozygotes.

Submissions (6):

PreventionGenetics, part of Exact Sciences
Classification: Likely benign for COL6A3-related condition. Last evaluated: 2026-05-05. Review status: criteria provided, single submitter. Criteria: ACMG Guidelines, 2015. Collection method: clinical testing. Allele origin: germline.
Comment: This variant is classified as likely benign based on ACMG/AMP sequence variant interpretation guidelines (Richards et al. 2015 PMID: 25741868, with internal and published modifications).

Labcorp Genetics (formerly Invitae), Labcorp
Classification: Likely benign for Bethlem myopathy 1A. Last evaluated: 2025-10-01. Review status: criteria provided, single submitter. Criteria: Invitae Variant Classification Sherloc (09022015). Collection method: clinical testing. Allele origin: germline.

Blueprint Genetics
Classification: Uncertain significance. Last evaluated: 2024-11-18. Review status: criteria provided, single submitter. Criteria: ACMG Guidelines, 2015. Collection method: clinical testing. Allele origin: germline.

Revvity Omics, Revvity
Classification: Uncertain significance. Last evaluated: 2024-08-20. Review status: criteria provided, single submitter. Criteria: ACMG Guidelines, 2015. Collection method: clinical testing. Allele origin: germline.

GeneDx
Classification: Uncertain significance. Last evaluated: 2020-02-25. Review status: criteria provided, single submitter. Criteria: GeneDx Variant Classification Process June 2021. Collection method: clinical testing. Allele origin: germline. Affected: yes.
Comment: Identified in an individual with cerebral palsy in the literature and classified as a variant of uncertain significance (Pingel et al., 2019); In silico analysis supports that this missense variant has a deleterious effect on protein structure/function; This variant is associated with the following publications: (PMID: 30564623, 30467950)

Eurofins Ntd Llc (ga)
Classification: Uncertain significance. Last evaluated: 2017-09-14. Review status: criteria provided, single submitter. Criteria: EGL Classification Definitions 2015. Collection method: clinical testing. Allele origin: germline. Observed: 4 variant alleles, 4 heterozygotes.